The following is an entry in ClinVar:

ClinVar aggregate classification (germline): Pathogenic (1 of 4 stars; one submission).

Conditions:
Glycine encephalopathy. Also called: Nonketotic hyperglycinemia; Non-ketotic hyperglycinemia. Identifiers: Orphanet 407, MedGen C0751748, MONDO:0011612, HP:0008288.

Submission:

Labcorp Genetics (formerly Invitae), Labcorp
Classification: Pathogenic for Glycine encephalopathy. Last evaluated: 2022-08-21. Review status: criteria provided, single submitter. Criteria: Invitae Variant Classification Sherloc (09022015). Collection method: clinical testing. Allele origin: germline.
Comment: This variant is a gross deletion of the genomic region encompassing exon(s) 4-15 of the GLDC gene. This variant would be expected to be in-frame, preserving the integrity of the reading frame. A similar copy number variant has been observed in individual(s) with GLDC-related conditions (PMID: 26179960). In at least one individual the data is consistent with being in trans (on the opposite chromosome) from a pathogenic variant. It has also been observed to segregate with disease in related individuals. The region of the GLDC gene that includes exon(s) 5 has been determined to be clinically significant (PMID: 27362913). Therefore, deletions that encompass that region are likely to be disease-causing. For these reasons, this variant has been classified as Pathogenic.

Literature cited by the submitters: PubMed 26179960; PubMed 27362913.

NC_000009.11:g.(?_6587131)_(6610366_?)del

Gene: GLDC (glycine decarboxylase; minus strand). Cytogenetic location: 9p24.1.
Variant type: Deletion.
Identifiers: ClinVar variation 1070376 (VCV001070376.2).